The following is an entry in ClinVar:

ClinVar aggregate classification (germline): Uncertain significance. Review status: criteria provided, multiple submitters, no conflicts (2 of 4 stars). 2 submissions from 2 submitters: Uncertain significance (2). Last evaluated 2025-03-06.

Conditions:
Inborn genetic diseases. Identifiers: MedGen C0950123, MeSH D030342.

Allele frequency attached by ClinVar (database versions not stated): gnomAD exomes below 0.00001.

Submissions (2):

Ambry Genetics
Classification: Uncertain significance for Inborn genetic diseases. Last evaluated: 2025-03-06. Review status: criteria provided, single submitter. Criteria: Ambry Variant Classification Scheme 2023. Collection method: clinical testing. Allele origin: germline.

GeneDx
Classification: Uncertain significance. Last evaluated: 2020-01-30. Review status: criteria provided, single submitter. Criteria: GeneDx Variant Classification Process June 2021. Collection method: clinical testing. Allele origin: germline. Affected: yes.
Comment: Not observed in large population cohorts (Lek et al., 2016); In silico analysis supports that this missense variant has a deleterious effect on protein structure/function; Has not been previously published as pathogenic or benign to our knowledge

NM_005251.3(FOXC2):c.1055C>T (p.Pro352Leu)

Gene: FOXC2 (forkhead box C2; plus strand). Cytogenetic location: 16q24.1.
Variant type: single nucleotide variant.
Coding change: c.1055C>T on transcript NM_005251.3 (MANE Select); coding-DNA position 1055, C replaced by T.
Protein change: p.Pro352Leu; replaces proline 352 with leucine.
Molecular consequence: missense variant.
Genome position (GRCh38, 1-based): chr16:86,568,390, C>T. VCF-style: chr16-86568390-C-T. GRCh37 (hg19) VCF-style: chr16-86601996-C-T.
Other names: short protein forms P352L.
Identifiers: ClinVar variation 1304943 (VCV001304943.3), dbSNP rs1974231499, ClinGen allele CA397009358.
Genomic context (GRCh38, chr16:86,568,390, plus strand): 5'-GCATGCGAGCGATGAGCCTGTACACCGGGGCCGAGCGGCCGGCGCACATGTGCGTCCCGC[C>T]CGCCCTGGACGAGGCCCTCTCGGACCACCCGAGCGGCCCCACGTCGCCCCTGAGCGCTCT-3'
Protein context (NP_005242.1, residues 342-362): AERPAHMCVP[Pro352Leu]ALDEALSDHP